The following is an entry in ClinVar:

ClinVar aggregate classification (germline): Likely pathogenic (1 of 4 stars; one submission).

Conditions:
Cornelia de Lange syndrome 1 (CDLS1). Also called: TYPUS DEGENERATIVUS AMSTELODAMENSIS; Brachmann de Lange syndrome; NIPBL-Related Cornelia de Lange Syndrome. Identifiers: Orphanet 199, MedGen C4551851, MONDO:0007387, OMIM 122470.

Submission:

Labcorp Genetics (formerly Invitae), Labcorp
Classification: Likely pathogenic for Cornelia de Lange syndrome 1. Last evaluated: 2022-12-13. Review status: criteria provided, single submitter. Criteria: Invitae Variant Classification Sherloc (09022015). Collection method: clinical testing. Allele origin: germline.
Comment: This sequence change affects an acceptor splice site in intron 13 of the NIPBL gene. It is expected to disrupt RNA splicing. Variants that disrupt the donor or acceptor splice site typically lead to a loss of protein function (PMID: 16199547), and loss-of-function variants in NIPBL are known to be pathogenic (PMID: 15318302, 19763162, 23505322, 29995837). This variant is not present in population databases (gnomAD no frequency). Disruption of this splice site has been observed in individual(s) with Cornelia de Lange syndrome (PMID: 28425213). Algorithms developed to predict the effect of sequence changes on RNA splicing suggest that this variant may disrupt the consensus splice site. In summary, the currently available evidence indicates that the variant is pathogenic, but additional data are needed to prove that conclusively. Therefore, this variant has been classified as Likely Pathogenic.

Literature cited by the submitters: PubMed 16199547; PubMed 15318302; PubMed 19763162; PubMed 23505322; PubMed 29995837; PubMed 28425213.

NM_133433.4(NIPBL):c.3575-2A>G

Gene: NIPBL (NIPBL cohesin loading factor; plus strand). Cytogenetic location: 5p13.2.
Variant type: single nucleotide variant.
Coding change: c.3575-2A>G on transcript NM_133433.4 (MANE Select); the canonical splice acceptor site of the intron before coding-DNA position 3575, A replaced by G.
Molecular consequence: splice acceptor variant.
Genome position (GRCh38, 1-based): chr5:37,000,987, A>G. VCF-style: chr5-37000987-A-G. GRCh37 (hg19) VCF-style: chr5-37001089-A-G.
Other names: c.3575-2A>G (NM_015384.5).
Identifiers: ClinVar variation 2820614 (VCV002820614.3), dbSNP rs2478088445, ClinGen allele CA359518603.